The following is an entry in ClinVar:

NM_007294.4(BRCA1):c.5410G>C (p.Val1804Leu)

Gene: BRCA1 (BRCA1 DNA repair associated; minus strand). Cytogenetic location: 17q21.31.
Variant type: single nucleotide variant.
Coding change: c.5410G>C on transcript NM_007294.4 (MANE Select); coding-DNA position 5410, G replaced by C.
Protein change: p.Val1804Leu; replaces valine 1804 with leucine.
Molecular consequence: missense variant. On other transcripts: non-coding transcript variant (1).
Genome position (GRCh38, 1-based): chr17:43,047,700, C>G on the plus strand (G>C on the coding strand, the complement: BRCA1 is on the minus strand). VCF-style: chr17-43047700-C-G. GRCh37 (hg19) VCF-style: chr17-41199717-C-G.
Other names: c.5197G>C, p.Val1733Leu (NM_001407571.1, NM_001407907.1, NM_001407908.1 and 12 more transcripts); c.5476G>C, p.Val1826Leu (NM_001407581.1, NM_001407582.1); c.5473G>C, p.Val1825Leu (NM_001407583.1, NM_001407585.1, NM_001407587.1 and 1 more transcripts); c.5470G>C, p.Val1824Leu (NM_001407590.1, NM_001407591.1); c.5410G>C, p.Val1804Leu (NM_001407593.1, NM_001407594.1, NM_001407596.1 and 5 more transcripts); c.5407G>C, p.Val1803Leu (NM_001407614.1, NM_001407615.1, NM_001407616.1 and 14 more transcripts); c.5404G>C, p.Val1802Leu (NM_001407633.1, NM_001407634.1, NM_001407635.1 and 13 more transcripts); c.5332G>C, p.Val1778Leu (NM_001407655.1, NM_001407652.1, NM_001407653.1 and 1 more transcripts); and 83 more; short protein forms C675S, V1804L, V1757L, V1825L, V700L, C1731S, C1736S, C1738S.
Identifiers: ClinVar variation 865468 (VCV000865468.3), dbSNP rs2050994882, ClinGen allele CA10590646.

Conditions:
Breast-ovarian cancer, familial, susceptibility to, 1 (BROVCA1). Also called: BRCA1 Hereditary Breast and Ovarian Cancer; OVARIAN CANCER, SUSCEPTIBILITY TO. Identifiers: Orphanet 145, MedGen C2676676, MONDO:0011450, OMIM 604370. Disease mechanism: loss of function.

Submission:

Brotman Baty Institute, University of Washington
No classification provided (evidence only). Condition: Breast-ovarian cancer, familial 1. Review status: no classification provided. Collection method: in vitro. Allele origin: not applicable. Functional consequence: functionally_normal.
ClinVar note: "not provided" was previously submitted as the classification for the variant. However, the classification appeared to be based only on an observation of functional data so it was converted to no classification on 2025-07-30.